The following is an entry in ClinVar:

ClinVar aggregate classification (germline): Conflicting classifications of pathogenicity. Review status: criteria provided, conflicting classifications (1 of 4 stars). 6 submissions from 6 submitters: Uncertain significance (1); Likely benign (4). 1 of the submissions does not count toward it. Last evaluated 2026-01-17.

Conditions:
NEB-related disorder. Also called: NEB-related condition; NEB-Related Disorders.
Nemaline myopathy 2 (NEM2). Also called: Nemaline myopathy 2, autosomal recessive. Identifiers: MedGen C1850569, MONDO:0009725, OMIM 256030.

Allele frequency attached by ClinVar (database versions not stated): ESP Exome Variant Server 0.00008; TOPMed 0.00012; gnomAD 0.00022; gnomAD exomes 0.00024; ExAC 0.00038; 1000 Genomes Project 30x 0.00062; 1000 Genomes Project 0.00080.
gnomAD v4.1: 398 of 1,597,356 alleles (0.025%); highest among the groups gnomAD compares: South Asian, 0.15%; 2 homozygotes.

Submissions (6):

Labcorp Genetics (formerly Invitae), Labcorp
Classification: Likely benign for Nemaline myopathy 2. Last evaluated: 2026-01-17. Review status: criteria provided, single submitter. Criteria: Invitae Variant Classification Sherloc (09022015). Collection method: clinical testing. Allele origin: germline.

PreventionGenetics, part of Exact Sciences
Classification: Likely benign for NEB-related condition. Last evaluated: 2025-08-13. Review status: criteria provided, single submitter. Criteria: ACMG Guidelines, 2015. Collection method: clinical testing. Allele origin: germline.
Comment: This variant is classified as likely benign based on ACMG/AMP sequence variant interpretation guidelines (Richards et al. 2015 PMID: 25741868, with internal and published modifications).

Blueprint Genetics
Classification: Likely benign. Last evaluated: 2024-08-26. Review status: criteria provided, single submitter. Criteria: ACMG Guidelines, 2015. Collection method: clinical testing. Allele origin: germline.

GeneDx
Classification: Likely benign. Last evaluated: 2020-07-17. Review status: criteria provided, single submitter. Criteria: GeneDx Variant Classification Process June 2021. Collection method: clinical testing. Allele origin: germline. Affected: yes.

Illumina Laboratory Services, Illumina
Classification: Uncertain significance for Nemaline myopathy 2. Last evaluated: 2018-01-12. Review status: criteria provided, single submitter. Criteria: ICSL Variant Classification Criteria 13 December 2019. Collection method: clinical testing. Allele origin: germline.

Natera, Inc.
Classification: Uncertain significance for Nemaline myopathy type 2. Last evaluated: 2020-02-13. Review status: no assertion criteria provided. Collection method: clinical testing. Allele origin: germline. Not counted in ClinVar's aggregate classification.

NM_001164508.2(NEB):c.17845-5G>A

Gene: NEB (nebulin; minus strand). Cytogenetic location: 2q23.3.
Variant type: single nucleotide variant.
Coding change: c.17845-5G>A on transcript NM_001164508.2 (MANE Select); 5 bases into the intron before coding-DNA position 17845, G replaced by A.
Molecular consequence: intron variant.
Genome position (GRCh38, 1-based): chr2:151,567,484, C>T on the plus strand (G>A on the coding strand, the complement: NEB is on the minus strand). VCF-style: chr2-151567484-C-T. GRCh37 (hg19) VCF-style: chr2-152423998-C-T.
Other names: c.12742-5G>A (NM_004543.5); c.17845-5G>A (NM_001164507.2, NM_001271208.2).
Identifiers: ClinVar variation 709712 (VCV000709712.21), dbSNP rs373390654, ClinGen allele CA1908078.